The following is an entry in ClinVar:

NM_199420.4(POLQ):c.2180A>G (p.Asp727Gly)

Gene: POLQ (DNA polymerase theta; minus strand). Cytogenetic location: 3q13.33.
Variant type: single nucleotide variant.
Coding change: c.2180A>G on transcript NM_199420.4 (MANE Select); coding-DNA position 2180, A replaced by G.
Protein change: p.Asp727Gly; replaces aspartic acid 727 with glycine.
Molecular consequence: missense variant.
Genome position (GRCh38, 1-based): chr3:121,496,906, T>C on the plus strand (A>G on the coding strand, the complement: POLQ is on the minus strand). VCF-style: chr3-121496906-T-C. GRCh37 (hg19) VCF-style: chr3-121215753-T-C.
Other names: short protein forms D727G.
Identifiers: ClinVar variation 2497185 (VCV002497185.2), dbSNP rs2546793727, ClinGen allele CA354109343.

ClinVar aggregate classification (germline): Uncertain significance (1 of 4 stars; one submission).

Submission:

Ambry Genetics
Classification: Uncertain significance. Last evaluated: 2023-03-14. Review status: criteria provided, single submitter. Criteria: Ambry Variant Classification Scheme 2023. Collection method: clinical testing. Allele origin: germline.
Comment: The p.D727G variant (also known as c.2180A>G), located in coding exon 14 of the POLQ gene, results from an A to G substitution at nucleotide position 2180. The aspartic acid at codon 727 is replaced by glycine, an amino acid with similar properties. This amino acid position is conserved. In addition, the in silico prediction for this alteration is inconclusive. Since supporting evidence is limited at this time, the clinical significance of this alteration remains unclear.